The following is an entry in ClinVar:

ClinVar aggregate classification (germline): Uncertain significance (1 of 4 stars; one submission).

Allele frequency attached by ClinVar (database versions not stated): ExAC 0.00001; gnomAD exomes 0.00001.
gnomAD v4.1: 21 of 1,613,614 alleles (0.0013%); highest among the groups gnomAD compares: Non-Finnish European, 0.0017%; no homozygotes.

Submission:

Labcorp Genetics (formerly Invitae), Labcorp
Classification: Uncertain significance. Last evaluated: 2020-12-14. Review status: criteria provided, single submitter. Criteria: Invitae Variant Classification Sherloc (09022015). Collection method: clinical testing. Allele origin: germline.
Comment: This sequence change replaces aspartic acid with asparagine at codon 409 of the TIMM50 protein (p.Asp409Asn). The aspartic acid residue is highly conserved and there is a small physicochemical difference between aspartic acid and asparagine. This variant is present in population databases (rs764441438, ExAC 0.002%). This variant has not been reported in the literature in individuals with TIMM50-related conditions. Algorithms developed to predict the effect of missense changes on protein structure and function are either unavailable or do not agree on the potential impact of this missense change (SIFT: "Not Available"; PolyPhen-2: "Possibly Damaging"; Align-GVGD: "Not Available"). In summary, the available evidence is currently insufficient to determine the role of this variant in disease. Therefore, it has been classified as a Variant of Uncertain Significance.

NM_001001563.5(TIMM50):c.916G>A (p.Asp306Asn)

Gene: TIMM50 (translocase of inner mitochondrial membrane 50; plus strand). Cytogenetic location: 19q13.2.
Variant type: single nucleotide variant.
Coding change: c.916G>A on transcript NM_001001563.5 (MANE Select); coding-DNA position 916, G replaced by A.
Protein change: p.Asp306Asn; replaces aspartic acid 306 with asparagine.
Molecular consequence: missense variant.
Genome position (GRCh38, 1-based): chr19:39,488,601, G>A. VCF-style: chr19-39488601-G-A. GRCh37 (hg19) VCF-style: chr19-39979241-G-A.
Other names: c.577G>A, p.Asp193Asn (NM_001329559.2); short protein forms D306N, D193N.
Identifiers: ClinVar variation 1508236 (VCV001508236.6), dbSNP rs764441438, ClinGen allele CA9432009.